The following is an entry in ClinVar:

NM_001849.4(COL6A2):c.1053+3A>C

Gene: COL6A2 (collagen type VI alpha 2 chain; plus strand). Cytogenetic location: 21q22.3.
Variant type: single nucleotide variant.
Coding change: c.1053+3A>C on transcript NM_001849.4 (MANE Select); 3 bases into the intron after coding-DNA position 1053, A replaced by C.
Molecular consequence: intron variant.
Genome position (GRCh38, 1-based): chr21:46,117,456, A>C. VCF-style: chr21-46117456-A-C. GRCh37 (hg19) VCF-style: chr21-47537370-A-C.
Other names: c.1053+3A>C (NM_058175.3, NM_058174.3).
Identifiers: ClinVar variation 4727773 (VCV004727773.1).

ClinVar aggregate classification (germline): Uncertain significance (1 of 4 stars; one submission).

Conditions:
Bethlem myopathy 1A. Also called: MYOPATHY, BENIGN CONGENITAL, WITH CONTRACTURES; Bethlem myopathy 1; Bethlem Muscular Dystrophy. Identifiers: Orphanet 610, MedGen CN029274, MONDO:0024530, OMIM 158810.

Submission:

Labcorp Genetics (formerly Invitae), Labcorp
Classification: Uncertain significance for Bethlem myopathy 1A. Last evaluated: 2025-09-23. Review status: criteria provided, single submitter. Criteria: Invitae Variant Classification Sherloc (09022015). Collection method: clinical testing. Allele origin: germline.
Comment: This sequence change falls in intron 11 of the COL6A2 gene. It does not directly change the encoded amino acid sequence of the COL6A2 protein. It affects a nucleotide within the consensus splice site. This variant is not present in population databases (gnomAD no frequency). This variant has not been reported in the literature in individuals affected with COL6A2-related conditions. Variants that disrupt the consensus splice site are a relatively common cause of aberrant splicing (PMID: 17576681, 9536098). Algorithms developed to predict the effect of sequence changes on RNA splicing suggest that this variant may disrupt the consensus splice site. In summary, the available evidence is currently insufficient to determine the role of this variant in disease. Therefore, it has been classified as a Variant of Uncertain Significance.

Literature cited by the submitters: PubMed 17576681; PubMed 9536098.